The following is an entry in ClinVar:

ClinVar aggregate classification (germline): Benign/Likely benign. Review status: criteria provided, multiple submitters, no conflicts (2 of 4 stars). 5 submissions from 5 submitters: Benign (2); Likely benign (2). 1 of the submissions does not count toward it. Last evaluated 2026-01-24.

Conditions:
VPS13A-related neurodegenerative disease. Also called: LEVINE-CRITCHLEY SYNDROME; Choreaacanthocytosis; VPS13A Disease; Choreoacanthocytosis; Chorea-acanthocytosis; ACANTHOCYTOSIS WITH NEUROLOGIC DISORDER. Identifiers: Orphanet 2388, MedGen C0393576, MONDO:0008695, OMIM 200150.

Allele frequency attached by ClinVar (database versions not stated): gnomAD exomes 0.00052; ExAC 0.00057; gnomAD 0.00059 and 0.00061; 1000 Genomes Project 0.00060; TOPMed 0.00076; ESP Exome Variant Server 0.00023; 1000 Genomes Project 30x 0.00047.
gnomAD v4.1: 355 of 1,609,314 alleles (0.022%); highest among the groups gnomAD compares: East Asian, 0.49%; 1 homozygote.

Submissions (5):

Labcorp Genetics (formerly Invitae), Labcorp
Classification: Benign. Last evaluated: 2026-01-24. Review status: criteria provided, single submitter. Criteria: Invitae Variant Classification Sherloc (09022015). Collection method: clinical testing. Allele origin: germline.

ARUP Laboratories, Molecular Genetics and Genomics, ARUP Laboratories
Classification: Benign for VPS13A-related neurodegenerative disease. Last evaluated: 2024-10-11. Review status: criteria provided, single submitter. Criteria: ARUP Molecular Germline Variant Investigation Process 2024. Collection method: clinical testing. Allele origin: germline.

Blueprint Genetics
Classification: Likely benign. Last evaluated: 2024-08-06. Review status: criteria provided, single submitter. Criteria: ACMG Guidelines, 2015. Collection method: clinical testing. Allele origin: germline.

Illumina Laboratory Services, Illumina
Classification: Likely benign for VPS13A-related neurodegenerative disease. Last evaluated: 2018-01-13. Review status: criteria provided, single submitter. Criteria: ICSL Variant Classification Criteria 13 December 2019. Collection method: clinical testing. Allele origin: germline.
Comment: This variant was observed in the ICSL laboratory as part of a predisposition screen in an ostensibly healthy population. It had not been previously curated by ICSL or reported in the Human Gene Mutation Database (HGMD: prior to June 1st, 2018), and was therefore a candidate for classification through an automated scoring system. Utilizing variant allele frequency, disease prevalence and penetrance estimates, and inheritance mode, an automated score was calculated to assess if this variant is too frequent to cause the disease. Based on the score and internal cut-off values, a variant classified as likely benign is not then subjected to further curation. The score for this variant resulted in a classification of likely benign for this disease.

Natera, Inc.
Classification: Benign for Choreaacanthocytosis. Last evaluated: 2019-12-17. Review status: no assertion criteria provided. Collection method: clinical testing. Allele origin: germline. Not counted in ClinVar's aggregate classification.

NM_033305.3(VPS13A):c.6096-7C>T

Gene: VPS13A (vacuolar protein sorting 13 homolog A; plus strand). Cytogenetic location: 9q21.2.
Variant type: single nucleotide variant.
Coding change: c.6096-7C>T on transcript NM_033305.3 (MANE Select); 7 bases into the intron before coding-DNA position 6096, C replaced by T.
Molecular consequence: intron variant.
Genome position (GRCh38, 1-based): chr9:77,337,248, C>T. VCF-style: chr9-77337248-C-T. GRCh37 (hg19) VCF-style: chr9-79952164-C-T.
Other names: c.5979-7C>T (NM_001018037.2); c.6096-7C>T (NM_015186.4, NM_001018038.3).
Identifiers: ClinVar variation 696618 (VCV000696618.18), dbSNP rs190144287, ClinGen allele CA5092950.